The following is an entry in ClinVar:

NM_000230.3(LEP):c.155C>T (p.Ser52Phe)

Gene: LEP (leptin; plus strand). Cytogenetic location: 7q32.1.
Variant type: single nucleotide variant.
Coding change: c.155C>T on transcript NM_000230.3 (MANE Select); coding-DNA position 155, C replaced by T.
Protein change: p.Ser52Phe; replaces serine 52 with phenylalanine.
Molecular consequence: missense variant.
Genome position (GRCh38, 1-based): chr7:128,254,414, C>T. VCF-style: chr7-128254414-C-T. GRCh37 (hg19) VCF-style: chr7-127894467-C-T.
Other names: short protein forms S52F.
Identifiers: ClinVar variation 4977381 (VCV004977381.1).

ClinVar aggregate classification (germline): Uncertain significance (1 of 4 stars; one submission).

Conditions:
LEP-related disorder. Also called: LEP-related condition.

gnomAD v4.1: 2 of 1,613,450 alleles (0.00012%); highest among the groups gnomAD compares: Admixed American, 0.0017%; no homozygotes.

Submission:

PreventionGenetics, part of Exact Sciences
Classification: Uncertain significance for LEP-related condition. Last evaluated: 2025-02-04. Review status: criteria provided, single submitter. Criteria: ACMG Guidelines, 2015. Collection method: clinical testing. Allele origin: germline.
Comment: The LEP c.155C>T variant is predicted to result in the amino acid substitution p.Ser52Phe. To our knowledge, this variant has not been reported in monogenic disorders in the literature. This variant is reported in 0.0029% of alleles in individuals of Latino descent in gnomAD. At this time, the clinical significance of this variant is uncertain due to the absence of conclusive functional and genetic evidence.